The following is an entry in ClinVar:

ClinVar aggregate classification (germline): Uncertain significance (1 of 4 stars; one submission).

Submission:

Labcorp Genetics (formerly Invitae), Labcorp
Classification: Uncertain significance. Last evaluated: 2023-08-17. Review status: criteria provided, single submitter. Criteria: Invitae Variant Classification Sherloc (09022015). Collection method: clinical testing. Allele origin: germline.
Comment: In summary, the available evidence is currently insufficient to determine the role of this variant in disease. Therefore, it has been classified as a Variant of Uncertain Significance. Advanced modeling of protein sequence and biophysical properties (such as structural, functional, and spatial information, amino acid conservation, physicochemical variation, residue mobility, and thermodynamic stability) performed at Invitae indicates that this missense variant is not expected to disrupt GUF1 protein function. This variant has not been reported in the literature in individuals affected with GUF1-related conditions. This variant is not present in population databases (gnomAD no frequency). This sequence change replaces alanine, which is neutral and non-polar, with valine, which is neutral and non-polar, at codon 549 of the GUF1 protein (p.Ala549Val).

NM_021927.3(GUF1):c.1646C>T (p.Ala549Val)

Gene: GUF1 (GTP binding elongation factor GUF1; plus strand). Cytogenetic location: 4p12.
Variant type: single nucleotide variant.
Coding change: c.1646C>T on transcript NM_021927.3 (MANE Select); coding-DNA position 1646, C replaced by T.
Protein change: p.Ala549Val; replaces alanine 549 with valine.
Molecular consequence: missense variant.
Genome position (GRCh38, 1-based): chr4:44,694,444, C>T. VCF-style: chr4-44694444-C-T. GRCh37 (hg19) VCF-style: chr4-44696461-C-T.
Other names: c.674C>T, p.Ala225Val (NM_001345867.2, NM_001345869.2); c.1646C>T, p.Ala549Val (NM_001345868.2); short protein forms A225V, A549V.
Identifiers: ClinVar variation 3013672 (VCV003013672.3), dbSNP rs2545511583, ClinGen allele CA356764560.